The following is an entry in ClinVar:

NM_004519.4(KCNQ3):c.214G>A (p.Gly72Ser)

Gene: KCNQ3 (potassium voltage-gated channel subfamily Q member 3; minus strand). Cytogenetic location: 8q24.22.
Variant type: single nucleotide variant.
Coding change: c.214G>A on transcript NM_004519.4 (MANE Select); coding-DNA position 214, G replaced by A.
Protein change: p.Gly72Ser; replaces glycine 72 with serine.
Molecular consequence: missense variant.
Genome position (GRCh38, 1-based): chr8:132,480,319, C>T on the plus strand (G>A on the coding strand, the complement: KCNQ3 is on the minus strand). VCF-style: chr8-132480319-C-T. GRCh37 (hg19) VCF-style: chr8-133492566-C-T.
Other names: short protein forms G72S.
Identifiers: ClinVar variation 664040 (VCV000664040.16), dbSNP rs759310149, ClinGen allele CA4880997.

ClinVar aggregate classification (germline): Uncertain significance. Review status: criteria provided, multiple submitters, no conflicts (2 of 4 stars). 4 submissions from 4 submitters: Uncertain significance (4). Last evaluated 2025-10-01.

Conditions:
Benign neonatal seizures. Also called: Benign familial neonatal seizures; Convulsions benign familial neonatal dominant form; Autosomal dominant form of benign neonatal seizures; Benign familial neonatal epilepsy; Benign neonatal familial convulsions. Identifiers: Orphanet 1949, MedGen C0220669, MONDO:0016027.
Inborn genetic diseases. Identifiers: MedGen C0950123, MeSH D030342.

Allele frequency attached by ClinVar (database versions not stated): gnomAD exomes 0.00001 and 0.00003; TOPMed 0.00002; ExAC 0.00006; gnomAD 0.00006.
gnomAD v4.1: 23 of 1,601,004 alleles (0.0014%); highest among the groups gnomAD compares: African/African-American, 0.0027%; no homozygotes.

Submissions (4):

CeGaT Center for Human Genetics Tuebingen
Classification: Uncertain significance. Last evaluated: 2025-10-01. Review status: criteria provided, single submitter. Criteria: CeGaT Center For Human Genetics Tuebingen Variant Classification Criteria Version 2. Collection method: clinical testing. Allele origin: germline. Affected: yes. Observed: 1 variant allele.

Labcorp Genetics (formerly Invitae), Labcorp
Classification: Uncertain significance for Benign neonatal seizures. Last evaluated: 2025-02-05. Review status: criteria provided, single submitter. Criteria: Invitae Variant Classification Sherloc (09022015). Collection method: clinical testing. Allele origin: germline.
Comment: This sequence change replaces glycine, which is neutral and non-polar, with serine, which is neutral and polar, at codon 72 of the KCNQ3 protein (p.Gly72Ser). The frequency data for this variant in the population databases is considered unreliable, as metrics indicate poor data quality at this position in the gnomAD database. This variant has not been reported in the literature in individuals affected with KCNQ3-related conditions. ClinVar contains an entry for this variant (Variation ID: 664040). Invitae Evidence Modeling of protein sequence and biophysical properties (such as structural, functional, and spatial information, amino acid conservation, physicochemical variation, residue mobility, and thermodynamic stability) indicates that this missense variant is not expected to disrupt KCNQ3 protein function with a negative predictive value of 95%. In summary, the available evidence is currently insufficient to determine the role of this variant in disease. Therefore, it has been classified as a Variant of Uncertain Significance.

Ambry Genetics
Classification: Uncertain significance for Inborn genetic diseases. Last evaluated: 2024-05-30. Review status: criteria provided, single submitter. Criteria: Ambry Variant Classification Scheme 2023. Collection method: clinical testing. Allele origin: germline.

New York Genome Center
Classification: Uncertain significance. Last evaluated: 2020-08-04. Review status: criteria provided, single submitter. Criteria: NYGC Assertion Criteria 2020. Collection method: clinical testing. Allele origin: germline. Affected: yes. Observed: 1 heterozygote. Study: CSER-NYCKidSeq.